The following is an entry in ClinVar:

NM_001365276.2(TNXB):c.2933G>A (p.Arg978His)

Gene: TNXB (tenascin XB; minus strand). Cytogenetic location: 6p21.33.
Variant type: single nucleotide variant.
Coding change: c.2933G>A on transcript NM_001365276.2 (MANE Select); coding-DNA position 2933, G replaced by A.
Protein change: p.Arg978His; replaces arginine 978 with histidine.
Molecular consequence: missense variant.
Genome position (GRCh38, 1-based): chr6:32,085,965, C>T on the plus strand (G>A on the coding strand, the complement: TNXB is on the minus strand). VCF-style: chr6-32085965-C-T. GRCh37 (hg19) VCF-style: chr6-32053742-C-T.
Other names: c.3674G>A, p.Arg1225His (NM_001428335.1); c.2933G>A, p.Arg978His (NM_019105.8); short protein forms R978H, R1225H.
Identifiers: ClinVar variation 3809311 (VCV003809311.1).
Genomic context (GRCh38, chr6:32,085,965, plus strand): 5'-GGCACCCGCATGCGCAGTTGGAAGTAGGCAAAGGTGTCAGGCTGGGCGGTCCAGACCACA[C>T]GGAGGCGCCCTGTCTCATCTCTGCCCAGCACCCTCAACTCTCCCAGCTCCTGGGGGCGCT-3'
Protein context (NP_001352205.1, residues 968-988): VLGRDETGRL[Arg978His]VVWTAQPDTF

ClinVar aggregate classification (germline): Uncertain significance (1 of 4 stars; one submission).

Conditions:
Cardiovascular phenotype. Identifiers: MedGen CN230736.

gnomAD v4.1: 29 of 1,607,932 alleles (0.0018%); highest among the groups gnomAD compares: Admixed American, 0.02%; no homozygotes.

Submission:

Ambry Genetics
Classification: Uncertain significance for Cardiovascular phenotype. Last evaluated: 2024-12-13. Review status: criteria provided, single submitter. Criteria: Ambry Variant Classification Scheme 2023. Collection method: clinical testing. Allele origin: germline.
Comment: The p.R978H variant (also known as c.2933G>A), located in coding exon 6 of the TNXB gene, results from a G to A substitution at nucleotide position 2933. The arginine at codon 978 is replaced by histidine, an amino acid with highly similar properties. This amino acid position is conserved. In addition, this alteration is predicted to be tolerated by in silico analysis. Based on the available evidence, the clinical significance of this variant remains unclear.